The following is an entry in ClinVar:

ClinVar aggregate classification (germline): Uncertain significance (1 of 4 stars; one submission).

Conditions:
Ehlers-Danlos syndrome, classic type, 1 (EDSCL1). Also called: EHLERS-DANLOS SYNDROME, GRAVIS TYPE; EHLERS-DANLOS SYNDROME, SEVERE CLASSIC TYPE; EDS I; Ehlers-Danlos Syndrome, Classic Type, COL5A1-Related; Ehlers-Danlos syndrome, type 1. Identifiers: MedGen C0268335, MONDO:0019567, OMIM 130000.

Submission:

Labcorp Genetics (formerly Invitae), Labcorp
Classification: Uncertain significance for Ehlers-Danlos syndrome, classic type, 1. Last evaluated: 2019-10-02. Review status: criteria provided, single submitter. Criteria: Invitae Variant Classification Sherloc (09022015). Collection method: clinical testing. Allele origin: germline.
Comment: In summary, the available evidence is currently insufficient to determine the role of this variant in disease. Therefore, it has been classified as a Variant of Uncertain Significance. Nucleotide substitutions within the consensus splice site are a relatively common cause of aberrant splicing (PMID: 17576681, 9536098). Algorithms developed to predict the effect of sequence changes on RNA splicing suggest that this variant may disrupt the consensus splice site, but this prediction has not been confirmed by published transcriptional studies. This variant has not been reported in the literature in individuals with COL5A1-related conditions. This variant is not present in population databases (ExAC no frequency). This sequence change falls in intron 21 of the COL5A1 gene. It does not directly change the encoded amino acid sequence of the COL5A1 protein, but it affects a nucleotide within the consensus splice site of the intron.

Literature cited by the submitters: PubMed 17576681; PubMed 9536098.

NM_000093.5(COL5A1):c.2088+4dup

Gene: COL5A1 (collagen type V alpha 1 chain; plus strand). Cytogenetic location: 9q34.3.
Variant type: Duplication.
Coding change: c.2088+4dup on transcript NM_000093.5 (MANE Select); 4 bases into the intron after coding-DNA position 2088, one base duplicated (A; older notation c.2088+4dupA).
Molecular consequence: intron variant.
Genome position (GRCh38, 1-based): chr9:134,765,738, A duplicated; the last of 2 consecutive A bases (chr9:134,765,737-134,765,738); duplicating either gives the same sequence. VCF-style (leftmost placement, unchanged base first): chr9-134765736-T-TA. GRCh37 (hg19) VCF-style: chr9-137657582-T-TA.
Other names: c.2088+4dup (NM_001278074.1).
Identifiers: ClinVar variation 971125 (VCV000971125.9), dbSNP rs1836638328, ClinGen allele CA1139661315.